The following is an entry in ClinVar:

ClinVar aggregate classification (germline): Benign/Likely benign. Review status: criteria provided, multiple submitters, no conflicts (2 of 4 stars). 5 submissions from 5 submitters: Benign (4); Likely benign (1). Last evaluated 2026-01-25.

Conditions:
Neuropathy, hereditary sensory and autonomic, type 1A (HSAN1A). Also called: HSAN IA; HSN IA; NEUROPATHY, HEREDITARY SENSORY RADICULAR, AUTOSOMAL DOMINANT, TYPE 1A; SPTLC1-Related Hereditary Sensory Neuropathy; NEUROPATHY, HEREDITARY SENSORY AND AUTONOMIC, TYPE IA. Identifiers: MedGen C5235211, MONDO:0008086, OMIM 162400.
Charcot-Marie-Tooth disease. Also called: Charcot-Marie-Tooth Neuropathy; Charcot-Marie-Tooth Hereditary Neuropathy. Identifiers: Orphanet 166, MedGen C0007959, MONDO:0015626.
Hereditary sensory and autonomic neuropathy type 1 (HSAN1). Also called: Hereditary Sensory Neuropathy Type I; HSAN 1; HSN Type I. Identifiers: Orphanet 36386, MedGen C0020071, MONDO:0018213.

Allele frequency attached by ClinVar (database versions not stated): ESP Exome Variant Server 0.00008; TOPMed 0.00014; gnomAD 0.00006 and 0.00095; gnomAD exomes 0.00378; 1000 Genomes Project 30x 0.00468; ExAC 0.00408; 1000 Genomes Project 0.00499.
gnomAD v4.1: 2,694 of 1,565,952 alleles (0.17%); highest among the groups gnomAD compares: South Asian, 2.8%; 53 homozygotes.

Submissions (5):

Labcorp Genetics (formerly Invitae), Labcorp
Classification: Benign for Hereditary sensory and autonomic neuropathy type 1. Last evaluated: 2026-01-25. Review status: criteria provided, single submitter. Criteria: Invitae Variant Classification Sherloc (09022015). Collection method: clinical testing. Allele origin: germline.

ARUP Laboratories, Molecular Genetics and Genomics, ARUP Laboratories
Classification: Benign. Last evaluated: 2025-05-23. Review status: criteria provided, single submitter. Criteria: ARUP Molecular Germline Variant Investigation Process 2024. Collection method: clinical testing. Allele origin: germline.

Illumina Laboratory Services, Illumina
Classification: Benign for Neuropathy, hereditary sensory and autonomic, type 1A. Last evaluated: 2018-01-12. Review status: criteria provided, single submitter. Criteria: ICSL Variant Classification Criteria 13 December 2019. Collection method: clinical testing. Allele origin: germline.
Comment: This variant was observed in the ICSL laboratory as part of a predisposition screen in an ostensibly healthy population. It had not been previously curated by ICSL or reported in the Human Gene Mutation Database (HGMD: prior to June 1st, 2018), and was therefore a candidate for classification through an automated scoring system. Utilizing variant allele frequency, disease prevalence and penetrance estimates, and inheritance mode, an automated score was calculated to assess if this variant is too frequent to cause the disease. Based on the score and internal cut-off values, a variant classified as benign is not then subjected to further curation. The score for this variant resulted in a classification of benign for this disease.

GeneDx
Classification: Likely benign. Last evaluated: 2016-02-25. Review status: criteria provided, single submitter. Criteria: GeneDx Variant Classification (06012015). Collection method: clinical testing. Allele origin: germline. Affected: yes.
Comment: This variant is considered likely benign or benign based on one or more of the following criteria: it is a conservative change, it occurs at a poorly conserved position in the protein, it is predicted to be benign by multiple in silico algorithms, and/or has population frequency not consistent with disease.

Molecular Genetics Laboratory, London Health Sciences Centre
Classification: Benign for Charcot-Marie-Tooth disease. Review status: criteria provided, single submitter. Criteria: ACMG Guidelines, 2015. Collection method: clinical testing. Allele origin: germline. Affected: yes.

NM_006415.4(SPTLC1):c.1254+10C>T

Gene: SPTLC1 (serine palmitoyltransferase long chain base subunit 1; minus strand). Cytogenetic location: 9q22.31.
Variant type: single nucleotide variant.
Coding change: c.1254+10C>T on transcript NM_006415.4 (MANE Select); 10 bases into the intron after coding-DNA position 1254, C replaced by T.
Molecular consequence: intron variant.
Genome position (GRCh38, 1-based): chr9:92,038,238, G>A on the plus strand (C>T on the coding strand, the complement: SPTLC1 is on the minus strand). VCF-style: chr9-92038238-G-A. GRCh37 (hg19) VCF-style: chr9-94800520-G-A.
Other names: c.1254+10C>T (LRG_272t1, NM_001281303.2); c.888+10C>T (NM_001368272.1); c.789+10C>T (NM_001368273.1).
Identifiers: ClinVar variation 367544 (VCV000367544.21), dbSNP rs200704785, ClinGen allele CA5121272.